The following is an entry in ClinVar:

NM_014989.7(RIMS1):c.1080C>G (p.Asn360Lys)

Gene: RIMS1 (regulating synaptic membrane exocytosis 1; plus strand). Cytogenetic location: 6q13.
Variant type: single nucleotide variant.
Coding change: c.1080C>G on transcript NM_014989.7 (MANE Select); coding-DNA position 1080, C replaced by G.
Protein change: p.Asn360Lys; replaces asparagine 360 with lysine.
Molecular consequence: missense variant.
Genome position (GRCh38, 1-based): chr6:72,182,551, C>G. VCF-style: chr6-72182551-C-G. GRCh37 (hg19) VCF-style: chr6-72892254-C-G.
Other names: short protein forms N360K.
Identifiers: ClinVar variation 4804864 (VCV004804864.1).
Genomic context (GRCh38, chr6:72,182,551, plus strand): 5'-GGATGAGGAAAAGCAAAGAAAAGAGGAGGATTATCAGACCAGGTACCGCAGCGACCCGAA[C>G]CTAGCTCGGTACCCGGTGAAACCGCCGCCTGAGGAGCAGCAGATGCGCATGCACGCCCGG-3'
Protein context (NP_055804.2, residues 350-370): DYQTRYRSDP[Asn360Lys]LARYPVKPPP

ClinVar aggregate classification (germline): Uncertain significance (1 of 4 stars; one submission).

gnomAD v4.1: 2 of 1,554,308 alleles (0.00013%); highest among the groups gnomAD compares: Admixed American, 0.002%; no homozygotes.

Submission:

Labcorp Genetics (formerly Invitae), Labcorp
Classification: Uncertain significance. Last evaluated: 2025-09-04. Review status: criteria provided, single submitter. Criteria: Invitae Variant Classification Sherloc (09022015). Collection method: clinical testing. Allele origin: germline.
Comment: This sequence change replaces asparagine, which is neutral and polar, with lysine, which is basic and polar, at codon 360 of the RIMS1 protein (p.Asn360Lys). This variant is present in population databases (no rsID available, gnomAD 0.004%). This variant has not been reported in the literature in individuals affected with RIMS1-related conditions. An algorithm developed to predict the effect of missense changes on protein structure and function (PolyPhen-2) suggests that this variant is likely to be tolerated. In summary, the available evidence is currently insufficient to determine the role of this variant in disease. Therefore, it has been classified as a Variant of Uncertain Significance.